The following is an entry in ClinVar:

NM_000222.3(KIT):c.271A>G (p.Asn91Asp)

Gene: KIT (KIT proto-oncogene, receptor tyrosine kinase; plus strand). Cytogenetic location: 4q12.
Variant type: single nucleotide variant.
Coding change: c.271A>G on transcript NM_000222.3 (MANE Select); coding-DNA position 271, A replaced by G.
Protein change: p.Asn91Asp; replaces asparagine 91 with aspartic acid.
Molecular consequence: missense variant.
Genome position (GRCh38, 1-based): chr4:54,695,715, A>G. VCF-style: chr4-54695715-A-G. GRCh37 (hg19) VCF-style: chr4-55561881-A-G.
Other names: c.271A>G, p.Asn91Asp (NM_001385286.1, NM_001385288.1, NM_001385290.1 and 4 more transcripts); short protein forms N91D.
Identifiers: ClinVar variation 4844002 (VCV004844002.1).

ClinVar aggregate classification (germline): Uncertain significance (1 of 4 stars; one submission).

Conditions:
Hereditary cancer-predisposing syndrome. Also called: Neoplastic Syndromes, Hereditary; Tumor predisposition; Hereditary Cancer Syndrome; Hereditary neoplastic syndrome. Identifiers: Orphanet 140162, MedGen C0027672, MeSH D009386, MONDO:0015356.

gnomAD v4.1: 1 of 1,614,254 alleles (0.000062%); highest among the groups gnomAD compares: Non-Finnish European, 0.000085%; no homozygotes.

Submission:

Ambry Genetics
Classification: Uncertain significance for Hereditary cancer-predisposing syndrome. Last evaluated: 2026-01-03. Review status: criteria provided, single submitter. Criteria: Ambry Variant Classification Scheme 2023. Collection method: clinical testing. Allele origin: germline.
Comment: The p.N91D variant (also known as c.271A>G), located in coding exon 2 of the KIT gene, results from an A to G substitution at nucleotide position 271. The asparagine at codon 91 is replaced by aspartic acid, an amino acid with highly similar properties. This amino acid position is conserved. In addition, this alteration is predicted to be tolerated by in silico analysis. Based on the available evidence, the clinical significance of this variant remains unclear.